The following is an entry in ClinVar:

NM_006329.4(FBLN5):c.257C>A (p.Thr86Asn)

Gene: FBLN5 (fibulin 5; minus strand). Cytogenetic location: 14q32.12.
Variant type: single nucleotide variant.
Coding change: c.257C>A on transcript NM_006329.4 (MANE Select); coding-DNA position 257, C replaced by A.
Protein change: p.Thr86Asn; replaces threonine 86 with asparagine.
Molecular consequence: missense variant.
Genome position (GRCh38, 1-based): chr14:91,937,069, G>T on the plus strand (C>A on the coding strand, the complement: FBLN5 is on the minus strand). VCF-style: chr14-91937069-G-T. GRCh37 (hg19) VCF-style: chr14-92403413-G-T.
Other names: c.380C>A, p.Thr127Asn (NM_001384158.1); c.308C>A, p.Thr103Asn (NM_001384159.1); c.257C>A, p.Thr86Asn (NM_001384160.1); c.89C>A, p.Thr30Asn (NM_001384161.1, NM_001384162.1); short protein forms T30N, T86N, T103N, T127N.
Identifiers: ClinVar variation 3010044 (VCV003010044.5), dbSNP rs1566828609, ClinGen allele CA390639852.

ClinVar aggregate classification (germline): Conflicting classifications of pathogenicity. Review status: criteria provided, conflicting classifications (1 of 4 stars). 3 submissions from 3 submitters: Uncertain significance (2); Likely benign (1). Last evaluated 2024-03-08.

Allele frequency attached by ClinVar (database versions not stated): gnomAD 0.00001.
gnomAD v4.1: 3 of 1,613,856 alleles (0.00019%); highest among the groups gnomAD compares: Non-Finnish European, 0.00025%; no homozygotes.

Submissions (3):

Labcorp Genetics (formerly Invitae), Labcorp
Classification: Uncertain significance. Last evaluated: 2024-03-08. Review status: criteria provided, single submitter. Criteria: Invitae Variant Classification Sherloc (09022015). Collection method: clinical testing. Allele origin: germline.
Comment: This sequence change replaces threonine, which is neutral and polar, with asparagine, which is neutral and polar, at codon 86 of the FBLN5 protein (p.Thr86Asn). This variant is present in population databases (no rsID available, gnomAD 0.007%). This variant has not been reported in the literature in individuals affected with FBLN5-related conditions. Algorithms developed to predict the effect of missense changes on protein structure and function output the following: SIFT: "Not Available"; PolyPhen-2: "Benign"; Align-GVGD: "Not Available". The asparagine amino acid residue is found in multiple mammalian species, which suggests that this missense change does not adversely affect protein function. In summary, the available evidence is currently insufficient to determine the role of this variant in disease. Therefore, it has been classified as a Variant of Uncertain Significance.

GeneDx
Classification: Uncertain significance. Last evaluated: 2023-07-05. Review status: criteria provided, single submitter. Criteria: GeneDx Variant Classification Process June 2021. Collection method: clinical testing. Allele origin: germline. Affected: yes.
Comment: Has not been previously published as pathogenic or benign to our knowledge; Not observed at significant frequency in large population cohorts (gnomAD); In silico analysis supports that this missense variant does not alter protein structure/function

Blueprint Genetics
Classification: Likely benign. Last evaluated: 2023-01-18. Review status: criteria provided, single submitter. Criteria: ACMG Guidelines, 2015. Collection method: clinical testing. Allele origin: germline.